The following is an entry in ClinVar:

NM_001374736.1(DST):c.23144A>G (p.Asp7715Gly)

Gene: DST (dystonin; minus strand). Cytogenetic location: 6p12.1.
Variant type: single nucleotide variant.
Coding change: c.23144A>G on transcript NM_001374736.1 (MANE Select); coding-DNA position 23144, A replaced by G.
Protein change: p.Asp7715Gly; replaces aspartic acid 7715 with glycine.
Molecular consequence: missense variant.
Genome position (GRCh38, 1-based): chr6:56,460,181, T>C on the plus strand (A>G on the coding strand, the complement: DST is on the minus strand). VCF-style: chr6-56460181-T-C. GRCh37 (hg19) VCF-style: chr6-56324979-T-C.
Other names: c.16715A>G, p.Asp5572Gly (NM_001144769.5); c.16301A>G, p.Asp5434Gly (NM_001144770.2); c.23072A>G, p.Asp7691Gly (NM_001374722.1); c.22073A>G, p.Asp7358Gly (NM_001374729.1); c.15815A>G, p.Asp5272Gly (NM_001374730.1); c.23099A>G, p.Asp7700Gly (NM_001374734.1); c.16163A>G, p.Asp5388Gly (NM_001386100.1); c.15203A>G, p.Asp5068Gly (NM_015548.5); and 1 more; short protein forms D5272G, D7358G, D5388G, D5434G, D7700G, D5068G, D5394G, D5572G.
Identifiers: ClinVar variation 1986734 (VCV001986734.4), dbSNP rs1444235196, ClinGen allele CA364503744.

ClinVar aggregate classification (germline): Uncertain significance (1 of 4 stars; one submission).

Conditions:
Hereditary sensory and autonomic neuropathy type 6. Also called: Neuropathy, hereditary sensory and autonomic, type VI; HSAN VI. Identifiers: Orphanet 314381, MedGen C3539003, MONDO:0013839, OMIM 614653.
Epidermolysis bullosa simplex 3, localized or generalized intermediate, with BP230 deficiency (EBS3). Also called: Epidermolysis bullosa simplex due to BP230 deficiency; Epidermolysis bullosa simplex, autosomal recessive 2. Identifiers: Orphanet 412181, MedGen C3809470, MONDO:0014180, OMIM 615425.

Allele frequency attached by ClinVar (database versions not stated): gnomAD exomes below 0.00001.
gnomAD v4.1: 1 of 1,613,980 alleles (0.000062%); highest among the groups gnomAD compares: Non-Finnish European, 0.000085%; no homozygotes.

Submission:

Labcorp Genetics (formerly Invitae), Labcorp
Classification: Uncertain significance for Epidermolysis bullosa simplex 3, localized or generalized intermediate, with BP230 deficiency; Hereditary sensory and autonomic neuropathy type 6. Last evaluated: 2023-08-17. Review status: criteria provided, single submitter. Criteria: Invitae Variant Classification Sherloc (09022015). Collection method: clinical testing. Allele origin: germline.
Comment: In summary, the available evidence is currently insufficient to determine the role of this variant in disease. Therefore, it has been classified as a Variant of Uncertain Significance. Experimental studies and prediction algorithms are not available or were not evaluated, and the functional significance of this variant is currently unknown. The DST gene has multiple clinically relevant transcripts. This variant occurs in alternate transcript NM_015548.4, and corresponds to *155336A>G in the primary transcript. This sequence change replaces aspartic acid, which is acidic and polar, with glycine, which is neutral and non-polar, at codon 5068 of the DST protein (p.Asp5068Gly). This variant is present in population databases (no rsID available, gnomAD 0.0009%). This variant has not been reported in the literature in individuals affected with DST-related conditions.